The following is an entry in ClinVar:

ClinVar aggregate classification (germline): Likely benign (1 of 4 stars; one submission).

gnomAD v4.1: 76 of 1,540,632 alleles (0.0049%); highest among the groups gnomAD compares: South Asian, 0.026%; no homozygotes.

Submission:

CeGaT Center for Human Genetics Tuebingen
Classification: Likely benign. Last evaluated: 2025-12-01. Review status: criteria provided, single submitter. Criteria: CeGaT Center For Human Genetics Tuebingen Variant Classification Criteria Version 2. Collection method: clinical testing. Allele origin: germline. Affected: yes. Observed: 1 variant allele.
Comment: SUZ12: BP4, BS2

NM_015355.4(SUZ12):c.258C>T (p.Phe86=)

Gene: SUZ12 (SUZ12 polycomb repressive complex 2 subunit; plus strand). Cytogenetic location: 17q11.2.
Variant type: single nucleotide variant.
Coding change: c.258C>T on transcript NM_015355.4 (MANE Select); coding-DNA position 258, C replaced by T.
Protein change: p.Phe86=; no amino-acid change (phenylalanine 86 retained).
Molecular consequence: synonymous variant.
Genome position (GRCh38, 1-based): chr17:31,937,504, C>T. VCF-style: chr17-31937504-C-T. GRCh37 (hg19) VCF-style: chr17-30264523-C-T.
Other names: c.258C>T, p.Phe86= (NM_001321207.2).
Identifiers: ClinVar variation 4681341 (VCV004681341.5).